The following is an entry in ClinVar:

NM_001372044.2(SHANK3):c.2553del (p.Ile852fs)

Gene: SHANK3 (SH3 and multiple ankyrin repeat domains 3; plus strand). Cytogenetic location: 22q13.33.
Variant type: Deletion.
Coding change: c.2553del on transcript NM_001372044.2 (MANE Select); coding-DNA position 2553, one base deleted (G; older notation c.2553delG).
Protein change: p.Ile852fs; shifts the reading frame from isoleucine 852.
Molecular consequence: frameshift variant.
Genome position (GRCh38, 1-based): chr22:50,715,731, G deleted; the last of 4 consecutive G bases (chr22:50,715,728-50,715,731); deleting any one gives the same sequence. VCF-style (leftmost placement, unchanged base first): chr22-50715727-AG-A. GRCh37 (hg19) VCF-style: chr22-51154155-AG-A.
Other names: c.2328delG, p.Ile777Phefs (NM_033517.1); short protein forms I852fs.
Identifiers: ClinVar variation 423608 (VCV000423608.2), dbSNP rs1064796526, ClinGen allele CA16621138.

ClinVar aggregate classification (germline): Pathogenic (1 of 4 stars; one submission).

Submission:

GeneDx
Classification: Pathogenic. Last evaluated: 2017-02-16. Review status: criteria provided, single submitter. Criteria: GeneDx Variant Classification (06012015). Collection method: clinical testing. Allele origin: germline. Affected: yes.
Comment: The c.2328delG variant in the SHANK3 gene has not been reported previously as a pathogenic variant nor as a benign variant, to our knowledge. The c.2328delG variant causes a frameshift starting with codon Isoleucine 777, changes this amino acid to a Phenylalanine residue, and creates a premature Stop codon at position 7 of the new reading frame, denoted p.Ile777PhefsX7. This variant is predicted to cause loss of normal protein function either through protein truncation or nonsense-mediated mRNA decay. The c.2328delG variant is not observed in large population cohorts (Lek et al., 2016; 1000 Genomes Consortium et al., 2015; Exome Variant Server). We interpret c.2328delG as a pathogenic variant.